The following is an entry in ClinVar:

NM_000722.4(CACNA2D1):c.2033A>G (p.Lys678Arg)

Gene: CACNA2D1 (calcium voltage-gated channel auxiliary subunit alpha2delta 1; minus strand). Cytogenetic location: 7q21.11.
Variant type: single nucleotide variant.
Coding change: c.2033A>G on transcript NM_000722.4 (MANE Select); coding-DNA position 2033, A replaced by G.
Protein change: p.Lys678Arg; replaces lysine 678 with arginine.
Molecular consequence: missense variant.
Genome position (GRCh38, 1-based): chr7:81,974,475, T>C on the plus strand (A>G on the coding strand, the complement: CACNA2D1 is on the minus strand). VCF-style: chr7-81974475-T-C. GRCh37 (hg19) VCF-style: chr7-81603791-T-C.
Other names: c.2069A>G, p.Lys690Arg (NM_001366867.1); short protein forms K678R, K690R.
Identifiers: ClinVar variation 1784783 (VCV001784783.2), dbSNP rs2484671585, ClinGen allele CA367892578.
Genomic context (GRCh38, chr7:81,974,475, plus strand): 5'-ACCACACTCAAGCAATCATTTTGAATTAATGCATACTTACATGATGGGTTGTTTGGAGTT[T>C]TTCTATCAATAAACTCGTTGAAATTTAAAAGAAATTCAGTGTTATTATCCGATATTTTCA-3'
Protein context (NP_000713.2, residues 668-688): LLNFNEFIDR[Lys678Arg]TPNNPSCNAD

ClinVar aggregate classification (germline): Uncertain significance (1 of 4 stars; one submission).

Conditions:
Cardiovascular phenotype. Identifiers: MedGen CN230736.

Submission:

Ambry Genetics
Classification: Uncertain significance for Cardiovascular phenotype. Last evaluated: 2022-04-04. Review status: criteria provided, single submitter. Criteria: Ambry Variant Classification Scheme 2023. Collection method: clinical testing. Allele origin: germline.
Comment: The p.K678R variant (also known as c.2033A>G), located in coding exon 25 of the CACNA2D1 gene, results from an A to G substitution at nucleotide position 2033. The lysine at codon 678 is replaced by arginine, an amino acid with highly similar properties. This amino acid position is conserved. In addition, this alteration is predicted to be tolerated by in silico analysis. Since supporting evidence is limited at this time, the clinical significance of this alteration remains unclear.